The following is an entry in ClinVar:

NM_021005.4(NR2F2):c.362G>A (p.Cys121Tyr)

Gene: NR2F2 (nuclear receptor subfamily 2 group F member 2; plus strand). Cytogenetic location: 15q26.2.
Variant type: single nucleotide variant.
Coding change: c.362G>A on transcript NM_021005.4 (MANE Select); coding-DNA position 362, G replaced by A.
Protein change: p.Cys121Tyr; replaces cysteine 121 with tyrosine.
Molecular consequence: missense variant. On other transcripts: intron variant (1).
Genome position (GRCh38, 1-based): chr15:96,332,467, G>A. VCF-style: chr15-96332467-G-A. GRCh37 (hg19) VCF-style: chr15-96875696-G-A.
Other names: c.44-1609G>A (NM_001145155.2); short protein forms C121Y.
Identifiers: ClinVar variation 2505835 (VCV002505835.1), dbSNP rs2505770155, ClinGen allele CA393930193.

ClinVar aggregate classification (germline): Uncertain significance (1 of 4 stars; one submission).

Submission:

GeneDx
Classification: Uncertain significance. Last evaluated: 2022-12-16. Review status: criteria provided, single submitter. Criteria: GeneDx Variant Classification Process June 2021. Collection method: clinical testing. Allele origin: germline. Affected: yes.
Comment: Not observed at significant frequency in large population cohorts (gnomAD); In silico analysis supports that this missense variant has a deleterious effect on protein structure/function; Has not been previously published as pathogenic or benign to our knowledge